The following is an entry in ClinVar:

NM_181552.4(CUX1):c.2854G>A (p.Val952Ile)

Gene: CUX1 (cut like homeobox 1; plus strand). Cytogenetic location: 7q22.1.
Variant type: single nucleotide variant.
Coding change: c.2854G>A on transcript NM_181552.4 (MANE Select); coding-DNA position 2854, G replaced by A.
Protein change: p.Val952Ile; replaces valine 952 with isoleucine.
Molecular consequence: missense variant. On other transcripts: intron variant (5).
Genome position (GRCh38, 1-based): chr7:102,202,151, G>A. VCF-style: chr7-102202151-G-A. GRCh37 (hg19) VCF-style: chr7-101845431-G-A.
Other names: c.2887G>A, p.Val963Ile (NM_001202543.2); c.1255+6548G>A (NM_001913.5); c.1249+6548G>A (NM_181500.4); c.1117+6548G>A (NM_001202545.3); c.1207+6548G>A (NM_001202544.3); c.1138+6548G>A (NM_001202546.3); short protein forms V952I, V963I.
Identifiers: ClinVar variation 2637286 (VCV002637286.3), dbSNP rs2485475082, ClinGen allele CA368685983.

ClinVar aggregate classification (germline): Uncertain significance (0 of 4 stars; one submission).

Conditions:
CUX1-related disorder. Also called: CUX1-related condition.

Submission:

PreventionGenetics, part of Exact Sciences
Classification: Uncertain significance for CUX1-related condition. Last evaluated: 2023-10-20. Review status: no assertion criteria provided. Collection method: clinical testing. Allele origin: germline.
Comment: The CUX1 c.2887G>A variant is predicted to result in the amino acid substitution p.Val963Ile. To our knowledge, this variant has not been reported in the literature or in a large population database, indicating this variant is rare. At this time, the clinical significance of this variant is uncertain due to the absence of conclusive functional and genetic evidence.